The following is an entry in ClinVar:

ClinVar aggregate classification (germline): Uncertain significance (1 of 4 stars; one submission).

Conditions:
Baller-Gerold syndrome (BGS). Also called: CRANIOSYNOSTOSIS WITH RADIAL DEFECTS. Identifiers: Orphanet 1225, MedGen C0265308, MONDO:0009039, OMIM 218600.

gnomAD v4.1: 2 of 1,606,588 alleles (0.00012%); highest among the groups gnomAD compares: East Asian, 0.0045%; no homozygotes.

Submission:

Labcorp Genetics (formerly Invitae), Labcorp
Classification: Uncertain significance for Baller-Gerold syndrome. Last evaluated: 2024-05-21. Review status: criteria provided, single submitter. Criteria: Invitae Variant Classification Sherloc (09022015). Collection method: clinical testing. Allele origin: germline.
Comment: This sequence change replaces leucine, which is neutral and non-polar, with valine, which is neutral and non-polar, at codon 628 of the RECQL4 protein (p.Leu628Val). This variant is not present in population databases (gnomAD no frequency). This variant has not been reported in the literature in individuals affected with RECQL4-related conditions. Advanced modeling of protein sequence and biophysical properties (such as structural, functional, and spatial information, amino acid conservation, physicochemical variation, residue mobility, and thermodynamic stability) performed at Invitae indicates that this missense variant is expected to disrupt RECQL4 protein function with a positive predictive value of 80%. In summary, the available evidence is currently insufficient to determine the role of this variant in disease. Therefore, it has been classified as a Variant of Uncertain Significance.

NM_004260.4(RECQL4):c.1882C>G (p.Leu628Val)

Gene: RECQL4 (RecQ like helicase 4; minus strand). Cytogenetic location: 8q24.3.
Variant type: single nucleotide variant.
Coding change: c.1882C>G on transcript NM_004260.4 (MANE Select); coding-DNA position 1882, C replaced by G.
Protein change: p.Leu628Val; replaces leucine 628 with valine.
Molecular consequence: missense variant. On other transcripts: non-coding transcript variant (3).
Genome position (GRCh38, 1-based): chr8:144,514,104, G>C on the plus strand (C>G on the coding strand, the complement: RECQL4 is on the minus strand). VCF-style: chr8-144514104-G-C. GRCh37 (hg19) VCF-style: chr8-145739488-G-C.
Other names: c.1786C>G, p.Leu596Val (NM_001413017.1, NM_001413020.1); c.1882C>G, p.Leu628Val (NM_001413018.1, NM_001413019.1, NM_001413036.1); c.811C>G, p.Leu271Val (NM_001413021.1, NM_001413022.1, NM_001413023.1 and 6 more transcripts); c.1753C>G, p.Leu585Val (NM_001413025.1); c.745C>G, p.Leu249Val (NM_001413027.1, NM_001413030.1, NM_001413032.1 and 1 more transcripts); c.1531C>G, p.Leu511Val (NM_001413029.1); c.613C>G, p.Leu205Val (NM_001413031.1); c.1750C>G, p.Leu584Val (NM_001413033.1); and 4 more; short protein forms L584V, L596V, L618V, L205V, L249V, L261V, L271V, L585V.
Identifiers: ClinVar variation 2834366 (VCV002834366.2), dbSNP rs1336158277, ClinGen allele CA372680556.